The following is an entry in ClinVar:

ClinVar aggregate classification (germline): Conflicting classifications of pathogenicity. Review status: criteria provided, conflicting classifications (1 of 4 stars). 6 submissions from 6 submitters: Uncertain significance (3); Likely benign (1). 2 of the submissions do not count toward it. Last evaluated 2024-09-09.

Conditions:
Cardiomyopathy (CMYO). Also called: Cardiomyopathies. Identifiers: Orphanet 167848, MedGen C0878544, MONDO:0004994, HP:0001638. Inheritance: Various modes of inheritance.
Hypertrophic cardiomyopathy. Also called: HYPERTROPHIC MYOCARDIOPATHY. Identifiers: Orphanet 217569, MedGen C0007194, MeSH D002312, MONDO:0005045, HP:0001639.

gnomAD v4.1: 3 of 1,604,812 alleles (0.00019%); highest among the groups gnomAD compares: Non-Finnish European, 0.00026%; no homozygotes.

Submissions (6):

Labcorp Genetics (formerly Invitae), Labcorp
Classification: Likely benign for Hypertrophic cardiomyopathy. Last evaluated: 2024-09-09. Review status: criteria provided, single submitter. Criteria: Invitae Variant Classification Sherloc (09022015). Collection method: clinical testing. Allele origin: germline.

All of Us Research Program, National Institutes of Health
Classification: Uncertain significance for Hypertrophic cardiomyopathy. Last evaluated: 2024-08-13. Review status: criteria provided, single submitter. Criteria: ACMG Guidelines, 2015. Collection method: clinical testing. Allele origin: germline. Inheritance: Autosomal dominant inheritance. Observed: 1 variant allele, 1 heterozygote.
Comment: This variant causes a C to A nucleotide substitution at the -9 position of intron 22 of the MYBPC3 gene. Splice site prediction tools suggest that this variant may not impact RNA splicing. To our knowledge, RNA studies have not been reported for this variant. This variant has been reported in individuals affected with hypertrophic cardiomyopathy (PMID: 30297972, 32841044, 33495597). This variant has not been identified in the general population by the Genome Aggregation Database (gnomAD). The available evidence is insufficient to determine the role of this variant in disease conclusively. Therefore, this variant is classified as a Variant of Uncertain Significance.

This study involves interpretation of variants in research participants for the purpose of population health screening. Participant phenotype was not available at the time of variant classification. Additional details can be found in publication PMID: 35346344, PMCID: PMC8962531

Color Diagnostics, LLC DBA Color Health
Classification: Uncertain significance for Cardiomyopathy. Last evaluated: 2024-07-31. Review status: criteria provided, single submitter. Criteria: ACMG Guidelines, 2015. Collection method: clinical testing. Allele origin: germline.
Comment: This variant causes a C to A nucleotide substitution at the -9 position of intron 22 of the MYBPC3 gene. Splice site prediction tools suggest that this variant may not impact RNA splicing. To our knowledge, RNA studies have not been reported for this variant. This variant has been reported in individuals affected with hypertrophic cardiomyopathy (PMID: 30297972, 32841044, 33495597). This variant has not been identified in the general population by the Genome Aggregation Database (gnomAD). The available evidence is insufficient to determine the role of this variant in disease conclusively. Therefore, this variant is classified as a Variant of Uncertain Significance.

Blueprint Genetics
Classification: Uncertain significance. Last evaluated: 2023-09-01. Review status: criteria provided, single submitter. Criteria: ACMG Guidelines, 2015. Collection method: clinical testing. Allele origin: germline.

Clinical Genetics, Academic Medical Center
Classification: Benign. Review status: no assertion criteria provided. Collection method: clinical testing. Allele origin: germline. Affected: yes. Study: VKGL Data-share Consensus. Not counted in ClinVar's aggregate classification.

Joint Genome Diagnostic Labs from Nijmegen and Maastricht, Radboudumc and MUMC+
Classification: Likely benign. Review status: no assertion criteria provided. Collection method: clinical testing. Allele origin: germline. Affected: yes. Study: VKGL Data-share Consensus. Not counted in ClinVar's aggregate classification.

Literature cited by the submitters: PubMed 30297972 (cited by All of Us Research Program, National Institutes of Health and Color Diagnostics, LLC DBA Color Health); PubMed 32841044 (cited by All of Us Research Program, National Institutes of Health and Color Diagnostics, LLC DBA Color Health); PubMed 33495597 (cited by All of Us Research Program, National Institutes of Health and Color Diagnostics, LLC DBA Color Health).

NM_000256.3(MYBPC3):c.2149-9C>A

Gene: MYBPC3 (myosin binding protein C3; minus strand). Cytogenetic location: 11p11.2.
Variant type: single nucleotide variant.
Coding change: c.2149-9C>A on transcript NM_000256.3 (MANE Select); 9 bases into the intron before coding-DNA position 2149, C replaced by A.
Molecular consequence: intron variant.
Genome position (GRCh38, 1-based): chr11:47,338,688, G>T on the plus strand (C>A on the coding strand, the complement: MYBPC3 is on the minus strand). VCF-style: chr11-47338688-G-T. GRCh37 (hg19) VCF-style: chr11-47360239-G-T.
Identifiers: ClinVar variation 1284268 (VCV001284268.14), dbSNP rs773882783, ClinGen allele CA2499220968.